The following is an entry in ClinVar:

NM_007289.4(MME):c.1827_1829dup (p.Gln610dup)

Gene: MME (membrane metalloendopeptidase; plus strand). Cytogenetic location: 3q25.2.
Variant type: Duplication.
Coding change: c.1827_1829dup on transcript NM_007289.4 (MANE Select); coding-DNA positions 1827 to 1829, 3 bases duplicated (ACA; older notation c.1827_1829dupACA).
Protein change: p.Gln610dup; duplicates glutamine 610.
Molecular consequence: inframe insertion.
Genome position (GRCh38, 1-based): chr3:155,168,538-155,168,540, ACA duplicated; duplicating any 3 consecutive bases within chr3:155,168,536-155,168,540 gives the same sequence; the c. name uses the placement nearest the transcript's 3' end. VCF-style (leftmost placement, unchanged base first): chr3-155168535-T-TCAA. GRCh37 (hg19) VCF-style: chr3-154886324-T-TCAA.
Other names: c.1827_1829dup, p.Gln610dup (NM_000902.5, NM_001354642.2, NM_001354643.1 and 2 more transcripts).
Identifiers: ClinVar variation 1466225 (VCV001466225.7), dbSNP rs1711567872, ClinGen allele CA1055210120.

ClinVar aggregate classification (germline): Uncertain significance (1 of 4 stars; one submission).

Submission:

Labcorp Genetics (formerly Invitae), Labcorp
Classification: Uncertain significance. Last evaluated: 2024-10-29. Review status: criteria provided, single submitter. Criteria: Invitae Variant Classification Sherloc (09022015). Collection method: clinical testing. Allele origin: germline.
Comment: This variant, c.1827_1829dup, results in the insertion of 1 amino acid(s) of the MME protein (p.Gln610dup), but otherwise preserves the integrity of the reading frame. This variant is not present in population databases (gnomAD no frequency). This variant has not been reported in the literature in individuals affected with MME-related conditions. ClinVar contains an entry for this variant (Variation ID: 1466225). Experimental studies and prediction algorithms are not available or were not evaluated, and the functional significance of this variant is currently unknown. In summary, the available evidence is currently insufficient to determine the role of this variant in disease. Therefore, it has been classified as a Variant of Uncertain Significance.